The following is an entry in ClinVar:

NM_014251.3(SLC25A13):c.93T>C (p.Gly31=)

Gene: SLC25A13 (solute carrier family 25 member 13; minus strand). Cytogenetic location: 7q21.3.
Variant type: single nucleotide variant.
Coding change: c.93T>C on transcript NM_014251.3 (MANE Select); coding-DNA position 93, T replaced by C.
Protein change: p.Gly31=; no amino-acid change (glycine 31 retained).
Molecular consequence: synonymous variant. On other transcripts: non-coding transcript variant (1).
Genome position (GRCh38, 1-based): chr7:96,277,315, A>G on the plus strand (T>C on the coding strand, the complement: SLC25A13 is on the minus strand). VCF-style: chr7-96277315-A-G. GRCh37 (hg19) VCF-style: chr7-95906627-A-G.
Other names: p.Gly31=; c.93T>C, p.Gly31= (NM_001160210.2).
Identifiers: ClinVar variation 260372 (VCV000260372.23), dbSNP rs78430478, ClinGen allele CA4353385.

ClinVar aggregate classification (germline): Benign. Review status: criteria provided, multiple submitters, no conflicts (2 of 4 stars). 6 submissions from 6 submitters: Benign (6). Last evaluated 2026-01-28.

Conditions:
Citrin deficiency. Identifiers: Orphanet 247582, MedGen C1997910, MONDO:0016602.

Allele frequency attached by ClinVar (database versions not stated): gnomAD exomes 0.00099 and 0.00255; ExAC 0.00326; gnomAD 0.01029 and 0.01089; ESP Exome Variant Server 0.01084; TOPMed 0.01141; 1000 Genomes Project 0.01358; 1000 Genomes Project 30x 0.01530.
gnomAD v4.1: 3,064 of 1,613,018 alleles (0.19%); highest among the groups gnomAD compares: African/African-American, 3.6%; 46 homozygotes.

Submissions (6):

Labcorp Genetics (formerly Invitae), Labcorp
Classification: Benign for Citrin deficiency. Last evaluated: 2026-01-28. Review status: criteria provided, single submitter. Criteria: Invitae Variant Classification Sherloc (09022015). Collection method: clinical testing. Allele origin: germline.

ARUP Laboratories, Molecular Genetics and Genomics, ARUP Laboratories
Classification: Benign. Last evaluated: 2023-11-29. Review status: criteria provided, single submitter. Criteria: ARUP Molecular Germline Variant Investigation Process 2024. Collection method: clinical testing. Allele origin: germline.

Mayo Clinic Laboratories, Mayo Clinic
Classification: Benign. Last evaluated: 2021-07-16. Review status: criteria provided, single submitter. Criteria: ACMG Guidelines, 2015. Collection method: clinical testing. Allele origin: germline. Observed: 7 variant alleles.

GeneDx
Classification: Benign. Last evaluated: 2015-10-28. Review status: criteria provided, single submitter. Criteria: GeneDx Variant Classification (06012015). Collection method: clinical testing. Allele origin: germline. Affected: yes.
Comment: This variant is considered likely benign or benign based on one or more of the following criteria: it is a conservative change, it occurs at a poorly conserved position in the protein, it is predicted to be benign by multiple in silico algorithms, and/or has population frequency not consistent with disease.

Breakthrough Genomics
Classification: Benign. Review status: criteria provided, single submitter. Criteria: ACMG Guidelines, 2015. Collection method: not provided. Allele origin: germline. Inheritance: Autosomal recessive inheritance. Affected: yes.

PreventionGenetics, part of Exact Sciences
Classification: Benign. Review status: criteria provided, single submitter. Criteria: ACMG Guidelines, 2015. Collection method: clinical testing. Allele origin: germline.